The following is an entry in ClinVar:

ClinVar aggregate classification (germline): Uncertain significance. Review status: criteria provided, single submitter (1 of 4 stars). 2 submissions from 2 submitters: Uncertain significance (1). 1 of the submissions does not count toward it. Last evaluated 2021-09-01.

Conditions:
Charcot-Marie-Tooth disease type 4. Also called: Charcot-Marie-Tooth disease, type IV; Charcot-Marie-Tooth, Type 4. Identifiers: Orphanet 64749, MedGen C4082197, MONDO:0018995.
Charcot-Marie-Tooth disease type 4D. Also called: CHARCOT-MARIE-TOOTH DISEASE, DEMYELINATING, AUTOSOMAL RECESSIVE, TYPE 4D; CHARCOT-MARIE-TOOTH DISEASE, DEMYELINATING, TYPE 4D; Charcot-Marie-Tooth Neuropathy Type 4D; NEUROPATHY, HEREDITARY MOTOR AND SENSORY, LOM TYPE. Identifiers: Orphanet 99950, MedGen C1832334, MONDO:0011085, OMIM 601455.

gnomAD v4.1: 1 of 1,612,036 alleles (0.000062%); highest among the groups gnomAD compares: African/African-American, 0.0013%; no homozygotes.

Submissions (2):

Labcorp Genetics (formerly Invitae), Labcorp
Classification: Uncertain significance for Charcot-Marie-Tooth disease type 4. Last evaluated: 2021-09-01. Review status: criteria provided, single submitter. Criteria: Invitae Variant Classification Sherloc (09022015). Collection method: clinical testing. Allele origin: germline.
Comment: This sequence change replaces proline with serine at codon 107 of the NDRG1 protein (p.Pro107Ser). The proline residue is moderately conserved and there is a moderate physicochemical difference between proline and serine. This variant is not present in population databases (ExAC no frequency). This variant has not been reported in the literature in individuals affected with NDRG1-related conditions. Algorithms developed to predict the effect of missense changes on protein structure and function (SIFT, PolyPhen-2, Align-GVGD) all suggest that this variant is likely to be tolerated. In summary, the available evidence is currently insufficient to determine the role of this variant in disease. Therefore, it has been classified as a Variant of Uncertain Significance.

Natera, Inc.
Classification: Uncertain significance for Charcot-Marie-Tooth disease type 4D. Last evaluated: 2021-06-10. Review status: no assertion criteria provided. Collection method: clinical testing. Allele origin: germline. Not counted in ClinVar's aggregate classification.

NM_006096.4(NDRG1):c.319C>T (p.Pro107Ser)

Gene: NDRG1 (N-myc downstream regulated 1; minus strand). Cytogenetic location: 8q24.22.
Variant type: single nucleotide variant.
Coding change: c.319C>T on transcript NM_006096.4 (MANE Select); coding-DNA position 319, C replaced by T.
Protein change: p.Pro107Ser; replaces proline 107 with serine.
Molecular consequence: missense variant.
Genome position (GRCh38, 1-based): chr8:133,262,054, G>A on the plus strand (C>T on the coding strand, the complement: NDRG1 is on the minus strand). VCF-style: chr8-133262054-G-A. GRCh37 (hg19) VCF-style: chr8-134274297-G-A.
Other names: c.319C>T, p.Pro107Ser (NM_001135242.2, NM_001374844.1, NM_001374845.1 and 1 more transcripts); c.121C>T, p.Pro41Ser (NM_001258432.2, NM_001374847.1); c.76C>T, p.Pro26Ser (NM_001258433.2); short protein forms P26S, P41S, P107S.
Identifiers: ClinVar variation 964887 (VCV000964887.7), dbSNP rs1856684767, ClinGen allele CA372256148.